The following is an entry in ClinVar:

ClinVar aggregate classification (germline): Uncertain significance (1 of 4 stars; one submission).

Submission:

Labcorp Genetics (formerly Invitae), Labcorp
Classification: Uncertain significance. Last evaluated: 2025-08-10. Review status: criteria provided, single submitter. Criteria: Invitae Variant Classification Sherloc (09022015). Collection method: clinical testing. Allele origin: germline.
Comment: This sequence change replaces isoleucine, which is neutral and non-polar, with methionine, which is neutral and non-polar, at codon 696 of the LEMD3 protein (p.Ile696Met). This variant is not present in population databases (gnomAD no frequency). This variant has not been reported in the literature in individuals affected with LEMD3-related conditions. Invitae Evidence Modeling of protein sequence and biophysical properties (such as structural, functional, and spatial information, amino acid conservation, physicochemical variation, residue mobility, and thermodynamic stability) indicates that this missense variant is expected to disrupt LEMD3 protein function with a positive predictive value of 80%. In summary, the available evidence is currently insufficient to determine the role of this variant in disease. Therefore, it has been classified as a Variant of Uncertain Significance.

NM_014319.5(LEMD3):c.2088T>G (p.Ile696Met)

Gene: LEMD3 (LEM domain containing 3; plus strand). Cytogenetic location: 12q14.3.
Variant type: single nucleotide variant.
Coding change: c.2088T>G on transcript NM_014319.5 (MANE Select); coding-DNA position 2088, T replaced by G.
Protein change: p.Ile696Met; replaces isoleucine 696 with methionine.
Molecular consequence: missense variant.
Genome position (GRCh38, 1-based): chr12:65,240,200, T>G. VCF-style: chr12-65240200-T-G. GRCh37 (hg19) VCF-style: chr12-65633980-T-G.
Other names: c.2085T>G, p.Ile695Met (NM_001167614.2); short protein forms I696M, I695M.
Identifiers: ClinVar variation 4742503 (VCV004742503.1).